The following is an entry in ClinVar:

NM_213599.3(ANO5):c.1795G>A (p.Glu599Lys)

Gene: ANO5 (anoctamin 5; plus strand). Cytogenetic location: 11p14.3.
Variant type: single nucleotide variant.
Coding change: c.1795G>A on transcript NM_213599.3 (MANE Select); coding-DNA position 1795, G replaced by A.
Protein change: p.Glu599Lys; replaces glutamic acid 599 with lysine.
Molecular consequence: missense variant.
Genome position (GRCh38, 1-based): chr11:22,262,293, G>A. VCF-style: chr11-22262293-G-A. GRCh37 (hg19) VCF-style: chr11-22283839-G-A.
Other names: c.1792G>A, p.Glu598Lys (NM_001142649.2); c.1753G>A, p.Glu585Lys (NM_001410963.1); c.1750G>A, p.Glu584Lys (NM_001410964.1); short protein forms E584K, E585K, E598K, E599K.
Identifiers: ClinVar variation 3753523 (VCV003753523.2).

ClinVar aggregate classification (germline): Uncertain significance (1 of 4 stars; one submission).

Conditions:
Gnathodiaphyseal dysplasia (GDD). Also called: GNATHODIAPHYSEAL SCLEROSIS; OSTEOGENESIS IMPERFECTA WITH UNUSUAL SKELETAL LESIONS. Identifiers: Orphanet 53697, MedGen C1833736, MONDO:0008151, OMIM 166260.
Autosomal recessive limb-girdle muscular dystrophy type 2L (LGMDR12). Also called: Limb-girdle muscular dystrophy, type 2L; MUSCULAR DYSTROPHY, LIMB-GIRDLE, AUTOSOMAL RECESSIVE 12; Limb-Girdle Muscular Dystrophy R12 Anoctamin-5-Related (LGMD-R12). Identifiers: Orphanet 206549, MedGen C1969785, MONDO:0012652, OMIM 611307.

Submission:

Labcorp Genetics (formerly Invitae), Labcorp
Classification: Uncertain significance for Autosomal recessive limb-girdle muscular dystrophy type 2L; Gnathodiaphyseal dysplasia. Last evaluated: 2024-02-02. Review status: criteria provided, single submitter. Criteria: Invitae Variant Classification Sherloc (09022015). Collection method: clinical testing. Allele origin: germline.
Comment: This sequence change replaces glutamic acid, which is acidic and polar, with lysine, which is basic and polar, at codon 599 of the ANO5 protein (p.Glu599Lys). This variant is not present in population databases (gnomAD no frequency). This variant has not been reported in the literature in individuals affected with ANO5-related conditions. Advanced modeling of protein sequence and biophysical properties (such as structural, functional, and spatial information, amino acid conservation, physicochemical variation, residue mobility, and thermodynamic stability) performed at Invitae indicates that this missense variant is expected to disrupt ANO5 protein function with a positive predictive value of 95%. In summary, the available evidence is currently insufficient to determine the role of this variant in disease. Therefore, it has been classified as a Variant of Uncertain Significance.